The following is an entry in ClinVar:

NM_021008.4(DEAF1):c.1593+3A>G

Gene: DEAF1 (DEAF1 transcription factor; minus strand). Cytogenetic location: 11p15.5.
Variant type: single nucleotide variant.
Coding change: c.1593+3A>G on transcript NM_021008.4 (MANE Select); 3 bases into the intron after coding-DNA position 1593, A replaced by G.
Molecular consequence: intron variant.
Genome position (GRCh38, 1-based): chr11:653,959, T>C on the plus strand (A>G on the coding strand, the complement: DEAF1 is on the minus strand). VCF-style: chr11-653959-T-C. GRCh37 (hg19) VCF-style: chr11-653959-T-C.
Other names: c.867+3A>G (NM_001367390.1, NM_001440885.1, NM_001440887.1 and 1 more transcripts); c.1368+3A>G (NM_001293634.2); c.1464+3A>G (NM_001440884.1); c.1504-9305A>G (NM_001440883.1).
Identifiers: ClinVar variation 4741127 (VCV004741127.1).

ClinVar aggregate classification (germline): Uncertain significance (1 of 4 stars; one submission).

gnomAD v4.1: 2 of 1,613,624 alleles (0.00012%); highest among the groups gnomAD compares: Non-Finnish European, 0.000085%; no homozygotes.

Submission:

Labcorp Genetics (formerly Invitae), Labcorp
Classification: Uncertain significance. Last evaluated: 2025-04-14. Review status: criteria provided, single submitter. Criteria: Invitae Variant Classification Sherloc (09022015). Collection method: clinical testing. Allele origin: germline.
Comment: This sequence change falls in intron 11 of the DEAF1 gene. It does not directly change the encoded amino acid sequence of the DEAF1 protein. It affects a nucleotide within the consensus splice site. This variant is not present in population databases (gnomAD no frequency). This variant has not been reported in the literature in individuals affected with DEAF1-related conditions. Variants that disrupt the consensus splice site are a relatively common cause of aberrant splicing (PMID: 17576681, 9536098). Algorithms developed to predict the effect of sequence changes on RNA splicing suggest that this variant is not likely to affect RNA splicing. In summary, the available evidence is currently insufficient to determine the role of this variant in disease. Therefore, it has been classified as a Variant of Uncertain Significance.

Literature cited by the submitters: PubMed 17576681; PubMed 9536098.